The following is an entry in ClinVar:

ClinVar aggregate classification (germline): Conflicting classifications of pathogenicity. Review status: criteria provided, conflicting classifications (1 of 4 stars). 4 submissions from 4 submitters: Pathogenic (1); Likely pathogenic (1); Uncertain significance (1). 1 of the submissions does not count toward it. Last evaluated 2025-05-07.

Conditions:
CDC42-related disorder. Also called: CDC42-related disorders; CDC42-related condition.
Takenouchi-Kosaki syndrome. Also called: Macrothrombocytopenia-lymphedema-developmental delay-facial dysmorphism-camptodactyly syndrome; MACROTHROMBOCYTOPENIA AND MENTAL RETARDATION SYNDROME. Identifiers: Orphanet 487796, MedGen C4225222, MONDO:0014757, OMIM 616737.

Submissions (4):

Labcorp Genetics (formerly Invitae), Labcorp
Classification: Uncertain significance. Last evaluated: 2025-05-07. Review status: criteria provided, single submitter. Criteria: Invitae Variant Classification Sherloc (09022015). Collection method: clinical testing. Allele origin: germline.
Comment: This sequence change replaces proline, which is neutral and non-polar, with glutamine, which is neutral and polar, at codon 34 of the CDC42 protein (p.Pro34Gln). This variant is not present in population databases (gnomAD no frequency). This missense change has been observed in individual(s) with a developmental disorder and/or pancytopenia and recurrent infections (PMID: 31130284, 33057194, 33672558, 35982159). In at least one individual the variant was observed to be de novo. ClinVar contains an entry for this variant (Variation ID: 1013509). An algorithm developed to predict the effect of missense changes on protein structure and function (PolyPhen-2) suggests that this variant is likely to be disruptive. In summary, the available evidence is currently insufficient to determine the role of this variant in disease. Therefore, it has been classified as a Variant of Uncertain Significance.

PreventionGenetics, part of Exact Sciences
Classification: Likely pathogenic for CDC42-related condition. Last evaluated: 2023-06-26. Review status: criteria provided, single submitter. Criteria: ACMG Guidelines, 2015. Collection method: clinical testing. Allele origin: germline.
Comment: The CDC42 c.101C>A variant is predicted to result in the amino acid substitution p.Pro34Gln. his variant has been reported as de novo in two patients with pancytopenia (Patient 17-5428 in Table S1 in Monies. 2019. PubMed ID: 31130284; Asiri et al. 2021. PubMed ID: 33672558). Functional analysis of skin fibroblasts isolated from the patient reported in Asiri et al. showed reduced growth and motility (Asiri et al. 2021. PubMed ID: 33672558). This variant has not been reported in a large population database, indicating this variant is rare. This variant is interpreted as likely pathogenic.

CeGaT Center for Human Genetics Tuebingen
Classification: Pathogenic. Last evaluated: 2021-07-01. Review status: criteria provided, single submitter. Criteria: CeGaT Center For Human Genetics Tuebingen Variant Classification Criteria Version 2. Collection method: clinical testing. Allele origin: germline. Affected: yes. Observed: 2 variant alleles.

Laboratorio de Genetica e Diagnostico Molecular, Hospital Israelita Albert Einstein
Classification: Uncertain significance for Takenouchi-Kosaki syndrome. Last evaluated: 2021-03-30. Review status: flagged submission. Criteria: ACMG Guidelines, 2015. Collection method: clinical testing. Allele origin: germline. Affected: yes. Not counted in ClinVar's aggregate classification.
Comment: ACMG classification criteria: PS3 supporting, PS4 supporting, PM2, PP3
ClinVar note: Reason: Claim with insufficient supporting evidence

Literature cited by the submitters: PubMed 31130284 (cited by Labcorp Genetics (formerly Invitae), Labcorp); PubMed 33057194 (cited by Labcorp Genetics (formerly Invitae), Labcorp); PubMed 33672558 (cited by Labcorp Genetics (formerly Invitae), Labcorp); PubMed 35982159 (cited by Labcorp Genetics (formerly Invitae), Labcorp).

NM_001791.4(CDC42):c.101C>A (p.Pro34Gln)

Gene: CDC42 (cell division cycle 42; plus strand). Cytogenetic location: 1p36.12.
Variant type: single nucleotide variant.
Coding change: c.101C>A on transcript NM_001791.4 (MANE Select); coding-DNA position 101, C replaced by A.
Protein change: p.Pro34Gln; replaces proline 34 with glutamine.
Molecular consequence: missense variant.
Genome position (GRCh38, 1-based): chr1:22,078,579, C>A. VCF-style: chr1-22078579-C-A. GRCh37 (hg19) VCF-style: chr1-22405072-C-A.
Other names: c.101C>A, p.Pro34Gln (NM_001039802.2, NM_044472.3); c.101C>A (NM_001791.3); short protein forms P34Q.
Identifiers: ClinVar variation 1013509 (VCV001013509.40), dbSNP rs1645575465, ClinGen allele CA338912398.
Genomic context (GRCh38, chr1:22,078,579, plus strand): 5'-TTGGTAAAACATGTCTCCTGATATCCTACACAACAAACAAATTTCCATCGGAATATGTAC[C>A]GACTGTAAGTATAAAGGCTTCCTTCTGTTAGTAAAATGTTGTAAAATTTGATATCCTTTT-3'
Protein context (NP_001782.1, residues 24-44): TTNKFPSEYV[Pro34Gln]TVFDNYAVTV